The following is an entry in ClinVar:

ClinVar aggregate classification (germline): Uncertain significance (1 of 4 stars; one submission).

Conditions:
Inborn genetic diseases. Identifiers: MedGen C0950123, MeSH D030342.

Allele frequency attached by ClinVar (database versions not stated): TOPMed below 0.00001; gnomAD 0.00001.
gnomAD v4.1: 1 of 1,611,316 alleles (0.000062%); highest among the groups gnomAD compares: Admixed American, 0.0017%; no homozygotes.

Submission:

Ambry Genetics
Classification: Uncertain significance for Inborn genetic diseases. Last evaluated: 2024-03-28. Review status: criteria provided, single submitter. Criteria: Ambry Variant Classification Scheme 2023. Collection method: clinical testing. Allele origin: germline.
Comment: The p.S912G variant (also known as c.2734A>G), located in coding exon 21 of the LRRK2 gene, results from an A to G substitution at nucleotide position 2734. The serine at codon 912 is replaced by glycine, an amino acid with similar properties. This amino acid position is conserved. In addition, this alteration is predicted to be tolerated by in silico analysis. Since supporting evidence is limited at this time, the clinical significance of this alteration remains unclear.

NM_198578.4(LRRK2):c.2734A>G (p.Ser912Gly)

Gene: LRRK2 (leucine rich repeat kinase 2; plus strand). Cytogenetic location: 12q12.
Variant type: single nucleotide variant.
Coding change: c.2734A>G on transcript NM_198578.4 (MANE Select); coding-DNA position 2734, A replaced by G.
Protein change: p.Ser912Gly; replaces serine 912 with glycine.
Molecular consequence: missense variant.
Genome position (GRCh38, 1-based): chr12:40,293,589, A>G. VCF-style: chr12-40293589-A-G. GRCh37 (hg19) VCF-style: chr12-40687391-A-G.
Other names: short protein forms S912G.
Identifiers: ClinVar variation 1795317 (VCV001795317.2), dbSNP rs1944247730, ClinGen allele CA384410829.